The following is an entry in ClinVar:

ClinVar aggregate classification (germline): Likely pathogenic (1 of 4 stars; one submission).

Conditions:
Hereditary cancer-predisposing syndrome. Also called: Neoplastic Syndromes, Hereditary; Hereditary Cancer Syndrome; Hereditary neoplastic syndrome; Tumor predisposition. Identifiers: Orphanet 140162, MedGen C0027672, MeSH D009386, MONDO:0015356.

Submission:

Ambry Genetics
Classification: Likely pathogenic for Hereditary cancer-predisposing syndrome. Last evaluated: 2023-05-27. Review status: criteria provided, single submitter. Criteria: Ambry Variant Classification Scheme 2023. Collection method: clinical testing. Allele origin: germline.
Comment: The c.4993_4994insAlu variant results from the insertion of an Alu element between nucleotides c.4993 and c.4994 in coding exon 10 of the BRCA2 gene. Mobile element insertions contribute to pathogenicity by either disrupting the coding sequence or inducing aberrant splicing (Belancio VP et al. Semin. Cancer Biol. 2010 Aug;20:200-10; Deininger P et al. Genome Biol. 2011 Dec;12:236; van der Klift HM Hum Mutat. 2012 Jul;33(7):1051-5). Based on the majority of available evidence to date, this variant is likely to be pathogenic.

NM_000059.3:c.4993_4994insALU

Gene: BRCA2 (BRCA2 DNA repair associated; plus strand).
Variant type: Insertion.
Identifiers: ClinVar variation 2566032 (VCV002566032.2).